The following is an entry in ClinVar:

NM_152703.5(SAMD9L):c.3341C>T (p.Pro1114Leu)

Gene: SAMD9L (sterile alpha motif domain containing 9 like; minus strand). Cytogenetic location: 7q21.2.
Variant type: single nucleotide variant.
Coding change: c.3341C>T on transcript NM_152703.5 (MANE Select); coding-DNA position 3341, C replaced by T.
Protein change: p.Pro1114Leu; replaces proline 1114 with leucine.
Molecular consequence: missense variant.
Genome position (GRCh38, 1-based): chr7:93,132,631, G>A on the plus strand (C>T on the coding strand, the complement: SAMD9L is on the minus strand). VCF-style: chr7-93132631-G-A. GRCh37 (hg19) VCF-style: chr7-92761944-G-A.
Other names: c.3341C>T, p.Pro1114Leu (NM_001303496.3, NM_001303497.3, NM_001303498.3 and 5 more transcripts); short protein forms P1114L.
Identifiers: ClinVar variation 3369140 (VCV003369140.1).

ClinVar aggregate classification (germline): Uncertain significance (1 of 4 stars; one submission).

gnomAD v4.1: 1 of 1,613,366 alleles (0.000062%); highest among the groups gnomAD compares: Non-Finnish European, 0.000085%; no homozygotes.

Submission:

GeneDx
Classification: Uncertain significance. Last evaluated: 2024-02-12. Review status: criteria provided, single submitter. Criteria: GeneDx Variant Classification Process June 2021. Collection method: clinical testing. Allele origin: germline. Affected: yes.
Comment: Not observed at significant frequency in large population cohorts (gnomAD); In silico analysis supports that this missense variant has a deleterious effect on protein structure/function; Has not been previously published as pathogenic or benign to our knowledge; This variant is associated with the following publications: (PMID: 28545555)